The following is an entry in ClinVar:

ClinVar aggregate classification (germline): Uncertain significance (1 of 4 stars; one submission).

Allele frequency attached by ClinVar (database versions not stated): gnomAD exomes below 0.00001; gnomAD 0.00001; TOPMed 0.00001.

Submission:

Labcorp Genetics (formerly Invitae), Labcorp
Classification: Uncertain significance. Last evaluated: 2022-06-27. Review status: criteria provided, single submitter. Criteria: Invitae Variant Classification Sherloc (09022015). Collection method: clinical testing. Allele origin: germline.
Comment: This sequence change replaces valine, which is neutral and non-polar, with alanine, which is neutral and non-polar, at codon 487 of the LIFR protein (p.Val487Ala). This variant is not present in population databases (gnomAD no frequency). This variant has not been reported in the literature in individuals affected with LIFR-related conditions. ClinVar contains an entry for this variant (Variation ID: 1009697). Algorithms developed to predict the effect of missense changes on protein structure and function output the following: SIFT: "Tolerated"; PolyPhen-2: "Benign"; Align-GVGD: "Class C0". The alanine amino acid residue is found in multiple mammalian species, which suggests that this missense change does not adversely affect protein function. In summary, the available evidence is currently insufficient to determine the role of this variant in disease. Therefore, it has been classified as a Variant of Uncertain Significance.

NM_001127671.2(LIFR):c.1460T>C (p.Val487Ala)

Gene: LIFR (LIF receptor subunit alpha; minus strand). Cytogenetic location: 5p13.1.
Variant type: single nucleotide variant.
Coding change: c.1460T>C on transcript NM_001127671.2 (MANE Select); coding-DNA position 1460, T replaced by C.
Protein change: p.Val487Ala; replaces valine 487 with alanine.
Molecular consequence: missense variant.
Genome position (GRCh38, 1-based): chr5:38,502,777, A>G on the plus strand (T>C on the coding strand, the complement: LIFR is on the minus strand). VCF-style: chr5-38502777-A-G. GRCh37 (hg19) VCF-style: chr5-38502879-A-G.
Other names: c.1460T>C, p.Val487Ala (NM_001364297.2, NM_001364298.2, NM_002310.6); short protein forms V487A.
Identifiers: ClinVar variation 1009697 (VCV001009697.6), dbSNP rs1429532863, ClinGen allele CA359542390.